The following is an entry in ClinVar:

NM_000506.5(F2):c.380T>A (p.Ile127Asn)

Gene: F2 (coagulation factor II, thrombin; plus strand). Cytogenetic location: 11p11.2.
Variant type: single nucleotide variant.
Coding change: c.380T>A on transcript NM_000506.5 (MANE Select); coding-DNA position 380, T replaced by A.
Protein change: p.Ile127Asn; replaces isoleucine 127 with asparagine.
Molecular consequence: missense variant.
Genome position (GRCh38, 1-based): chr11:46,723,243, T>A. VCF-style: chr11-46723243-T-A. GRCh37 (hg19) VCF-style: chr11-46744793-T-A.
Other names: short protein forms I127N.
Identifiers: ClinVar variation 4990578 (VCV004990578.1).
Genomic context (GRCh38, chr11:46,723,243, plus strand): 5'-ACTGTGCTGAGGGTCTGGGTACGAACTACCGAGGGCATGTGAACATCACCCGGTCAGGCA[T>A]TGAGTGCCAGCTATGGAGGAGTCGCTACCCACATAAGCCTGAGTGAGTGAGGGGCCGGCC-3'
Protein context (NP_000497.1, residues 117-137): RGHVNITRSG[Ile127Asn]ECQLWRSRYP

ClinVar aggregate classification (germline): Uncertain significance (1 of 4 stars; one submission).

Conditions:
F2-related disorder. Also called: F2-related condition; F2-related disorders.

gnomAD v4.1: 11 of 1,613,784 alleles (0.00068%); highest among the groups gnomAD compares: Non-Finnish European, 0.00093%; no homozygotes.

Submission:

PreventionGenetics, part of Exact Sciences
Classification: Uncertain significance for F2-related condition. Last evaluated: 2024-10-27. Review status: criteria provided, single submitter. Criteria: ACMG Guidelines, 2015. Collection method: clinical testing. Allele origin: germline.
Comment: The F2 c.380T>A variant is predicted to result in the amino acid substitution p.Ile127Asn. To our knowledge, this variant has not been reported in the literature. This variant is reported in 0.00088% of alleles in individuals of European (Non-Finnish) descent in gnomAD. At this time, the clinical significance of this variant is uncertain due to the absence of conclusive functional and genetic evidence.